The following is an entry in ClinVar:

NM_004655.4(AXIN2):c.2403T>C (p.Tyr801=)

Gene: AXIN2 (axin 2; minus strand). Cytogenetic location: 17q24.1.
Variant type: single nucleotide variant.
Coding change: c.2403T>C on transcript NM_004655.4 (MANE Select); coding-DNA position 2403, T replaced by C.
Protein change: p.Tyr801=; no amino-acid change (tyrosine 801 retained).
Molecular consequence: synonymous variant.
Genome position (GRCh38, 1-based): chr17:65,533,914, A>G on the plus strand (T>C on the coding strand, the complement: AXIN2 is on the minus strand). VCF-style: chr17-65533914-A-G. GRCh37 (hg19) VCF-style: chr17-63530032-A-G.
Other names: c.2208T>C, p.Tyr736= (NM_001363813.1); c.2403T>C (LRG_296t1).
Identifiers: ClinVar variation 380431 (VCV000380431.21), dbSNP rs745869388, ClinGen allele CA8718317.

ClinVar aggregate classification (germline): Benign/Likely benign. Review status: criteria provided, multiple submitters, no conflicts (2 of 4 stars). 7 submissions from 7 submitters: Benign (1); Likely benign (6). Last evaluated 2026-09-01.

Conditions:
Oligodontia-cancer predisposition syndrome. Also called: TOOTH AGENESIS-COLORECTAL CANCER SYNDROME. Identifiers: Orphanet 300576, MedGen C1837750, MONDO:0012075, OMIM 608615. Disease mechanism: loss of function.
Hereditary cancer-predisposing syndrome. Also called: Hereditary neoplastic syndrome; Neoplastic Syndromes, Hereditary; Hereditary Cancer Syndrome; Tumor predisposition. Identifiers: Orphanet 140162, MedGen C0027672, MeSH D009386, MONDO:0015356.

Allele frequency attached by ClinVar (database versions not stated): gnomAD exomes 0.00002 and 0.00001; ExAC 0.00001; gnomAD 0.00001; TOPMed 0.00001.
gnomAD v4.1: 17 of 1,613,820 alleles (0.0011%); highest among the groups gnomAD compares: Middle Eastern, 0.033%; no homozygotes.

Submissions (7):

CeGaT Center for Human Genetics Tuebingen
Classification: Likely benign. Last evaluated: 2026-09-01. Review status: criteria provided, single submitter. Criteria: CeGaT Center For Human Genetics Tuebingen Variant Classification Criteria Version 2. Collection method: clinical testing. Allele origin: germline. Affected: yes. Observed: 1 variant allele.
Comment: AXIN2: BP4, BP7

Labcorp Genetics (formerly Invitae), Labcorp
Classification: Likely benign for Oligodontia-cancer predisposition syndrome. Last evaluated: 2026-01-21. Review status: criteria provided, single submitter. Criteria: Invitae Variant Classification Sherloc (09022015). Collection method: clinical testing. Allele origin: germline.

Quest Diagnostics Nichols Institute San Juan Capistrano
Classification: Likely benign. Last evaluated: 2024-12-25. Review status: criteria provided, single submitter. Criteria: Quest Diagnostics criteria. Collection method: clinical testing. Allele origin: unknown.

Myriad Genetics, Inc.
Classification: Benign for Oligodontia-cancer predisposition syndrome. Last evaluated: 2024-07-10. Review status: criteria provided, single submitter. Criteria: Myriad Autosomal Dominant, Autosomal Recessive and X-Linked Classification Criteria (2023). Collection method: clinical testing. Allele origin: unknown.
Comment: This variant is considered benign. This variant is a silent/synonymous amino acid change and it is not expected to impact splicing.

Sema4
Classification: Likely benign for Hereditary cancer-predisposing syndrome. Last evaluated: 2021-09-01. Review status: criteria provided, single submitter. Criteria: Sema4 Curation Guidelines. Collection method: curation. Allele origin: germline.

GeneDx
Classification: Likely benign. Last evaluated: 2019-12-23. Review status: criteria provided, single submitter. Criteria: GeneDx Variant Classification Process June 2021. Collection method: clinical testing. Allele origin: germline. Affected: yes.

Ambry Genetics
Classification: Likely benign for Hereditary cancer-predisposing syndrome. Last evaluated: 2019-04-18. Review status: criteria provided, single submitter. Criteria: Ambry Variant Classification Scheme 2023. Collection method: clinical testing. Allele origin: germline.